The following is an entry in ClinVar:

ClinVar aggregate classification (germline): Uncertain significance. Review status: criteria provided, multiple submitters, no conflicts (2 of 4 stars). 2 submissions from 2 submitters: Uncertain significance (2). Last evaluated 2025-03-25.

Conditions:
Cardiovascular phenotype. Identifiers: MedGen CN230736.
Dilated cardiomyopathy 1DD (CMD1DD). Identifiers: Orphanet 154, MedGen C2750995, MONDO:0013168, OMIM 613172.

Submissions (2):

Ambry Genetics
Classification: Uncertain significance for Cardiovascular phenotype. Last evaluated: 2025-03-25. Review status: criteria provided, single submitter. Criteria: Ambry Variant Classification Scheme 2023. Collection method: clinical testing. Allele origin: germline.
Comment: The p.I549V variant (also known as c.1645A>G), located in coding exon 6 of the RBM20 gene, results from an A to G substitution at nucleotide position 1645. The isoleucine at codon 549 is replaced by valine, an amino acid with highly similar properties. This amino acid position is conserved. In addition, the in silico prediction for this alteration is inconclusive. Based on the available evidence, the clinical significance of this variant remains unclear.

Labcorp Genetics (formerly Invitae), Labcorp
Classification: Uncertain significance for Dilated cardiomyopathy 1DD. Last evaluated: 2024-10-28. Review status: criteria provided, single submitter. Criteria: Invitae Variant Classification Sherloc (09022015). Collection method: clinical testing. Allele origin: germline.
Comment: This sequence change replaces isoleucine, which is neutral and non-polar, with valine, which is neutral and non-polar, at codon 549 of the RBM20 protein (p.Ile549Val). This variant is not present in population databases (gnomAD no frequency). This variant has not been reported in the literature in individuals affected with RBM20-related conditions. Invitae Evidence Modeling of protein sequence and biophysical properties (such as structural, functional, and spatial information, amino acid conservation, physicochemical variation, residue mobility, and thermodynamic stability) indicates that this missense variant is not expected to disrupt RBM20 protein function with a negative predictive value of 95%. In summary, the available evidence is currently insufficient to determine the role of this variant in disease. Therefore, it has been classified as a Variant of Uncertain Significance.

NM_001134363.3(RBM20):c.1645A>G (p.Ile549Val)

Gene: RBM20 (RNA binding motif protein 20; plus strand). Cytogenetic location: 10q25.2.
Variant type: single nucleotide variant.
Coding change: c.1645A>G on transcript NM_001134363.3 (MANE Select); coding-DNA position 1645, A replaced by G.
Protein change: p.Ile549Val; replaces isoleucine 549 with valine.
Molecular consequence: missense variant.
Genome position (GRCh38, 1-based): chr10:110,797,625, A>G. VCF-style: chr10-110797625-A-G. GRCh37 (hg19) VCF-style: chr10-112557383-A-G.
Other names: short protein forms I549V.
Identifiers: ClinVar variation 3642603 (VCV003642603.3).